The following is an entry in ClinVar:

NM_004525.3(LRP2):c.8212C>T (p.Leu2738Phe)

Gene: LRP2 (LDL receptor related protein 2; minus strand). Cytogenetic location: 2q31.1.
Variant type: single nucleotide variant.
Coding change: c.8212C>T on transcript NM_004525.3 (MANE Select); coding-DNA position 8212, C replaced by T.
Protein change: p.Leu2738Phe; replaces leucine 2738 with phenylalanine.
Molecular consequence: missense variant.
Genome position (GRCh38, 1-based): chr2:169,201,868, G>A on the plus strand (C>T on the coding strand, the complement: LRP2 is on the minus strand). VCF-style: chr2-169201868-G-A. GRCh37 (hg19) VCF-style: chr2-170058378-G-A.
Other names: c.8212C>T (NM_004525.2); short protein forms L2738F.
Identifiers: ClinVar variation 1377637 (VCV001377637.6), dbSNP rs772847237, ClinGen allele CA1953906.

ClinVar aggregate classification (germline): Conflicting classifications of pathogenicity. Review status: criteria provided, conflicting classifications (1 of 4 stars). 2 submissions from 2 submitters: Uncertain significance (1); Likely benign (1). Last evaluated 2024-09-24.

Conditions:
Inborn genetic diseases. Identifiers: MedGen C0950123, MeSH D030342.

Allele frequency attached by ClinVar (database versions not stated): TOPMed 0.00001; ExAC 0.00002.
gnomAD v4.1: 25 of 1,614,100 alleles (0.0015%); highest among the groups gnomAD compares: Non-Finnish European, 0.002%; no homozygotes.

Submissions (2):

Ambry Genetics
Classification: Likely benign for Inborn genetic diseases. Last evaluated: 2024-09-24. Review status: criteria provided, single submitter. Criteria: Ambry Variant Classification Scheme 2023. Collection method: clinical testing. Allele origin: germline.

Labcorp Genetics (formerly Invitae), Labcorp
Classification: Uncertain significance. Last evaluated: 2022-09-06. Review status: criteria provided, single submitter. Criteria: Invitae Variant Classification Sherloc (09022015). Collection method: clinical testing. Allele origin: germline.
Comment: This sequence change replaces leucine, which is neutral and non-polar, with phenylalanine, which is neutral and non-polar, at codon 2738 of the LRP2 protein (p.Leu2738Phe). This variant is present in population databases (rs772847237, gnomAD 0.003%). This variant has not been reported in the literature in individuals affected with LRP2-related conditions. ClinVar contains an entry for this variant (Variation ID: 1377637). Algorithms developed to predict the effect of missense changes on protein structure and function output the following: SIFT: "Tolerated"; PolyPhen-2: "Benign"; Align-GVGD: "Class C0". The phenylalanine amino acid residue is found in multiple mammalian species, which suggests that this missense change does not adversely affect protein function. In summary, the available evidence is currently insufficient to determine the role of this variant in disease. Therefore, it has been classified as a Variant of Uncertain Significance.